The following is an entry in ClinVar:

ClinVar aggregate classification (germline): Uncertain significance (1 of 4 stars; one submission).

Conditions:
Long QT syndrome (LQTS). Identifiers: MedGen C0023976, MeSH D008133, MONDO:0002442. Disease mechanism: loss of function. Inheritance: Various modes of inheritance.

Submission:

Labcorp Genetics (formerly Invitae), Labcorp
Classification: Uncertain significance for Long QT syndrome. Last evaluated: 2023-11-02. Review status: criteria provided, single submitter. Criteria: Invitae Variant Classification Sherloc (09022015). Collection method: clinical testing. Allele origin: germline.
Comment: This sequence change falls in intron 7 of the CACNA1C gene. It does not directly change the encoded amino acid sequence of the CACNA1C protein. It affects a nucleotide within the consensus splice site. This variant is not present in population databases (gnomAD no frequency). This variant has not been reported in the literature in individuals affected with CACNA1C-related conditions. Variants that disrupt the consensus splice site are a relatively common cause of aberrant splicing (PMID: 17576681, 9536098). Algorithms developed to predict the effect of sequence changes on RNA splicing suggest that this variant is not likely to affect RNA splicing. In summary, the available evidence is currently insufficient to determine the role of this variant in disease. Therefore, it has been classified as a Variant of Uncertain Significance.

Literature cited by the submitters: PubMed 17576681; PubMed 9536098.

NM_000719.7(CACNA1C):c.1113+6T>G

Gene: CACNA1C (calcium voltage-gated channel subunit alpha1 C; plus strand). Cytogenetic location: 12p13.33.
Variant type: single nucleotide variant.
Coding change: c.1113+6T>G on transcript NM_000719.7 (MANE Select); 6 bases into the intron after coding-DNA position 1113, T replaced by G.
Molecular consequence: intron variant.
Genome position (GRCh38, 1-based): chr12:2,493,392, T>G. VCF-style: chr12-2493392-T-G. GRCh37 (hg19) VCF-style: chr12-2602558-T-G.
Other names: c.1113+6T>G (NM_001167624.3, NM_001167623.2, NM_001167625.2 and 18 more transcripts); c.1104+6T>G (NM_001129844.2).
Identifiers: ClinVar variation 2692767 (VCV002692767.3), dbSNP rs2504165540, ClinGen allele CA2697559080.
Genomic context (GRCh38, chr12:2,493,392, plus strand): 5'-GCTCACGGTGTTCCAGTGCATCACCATGGAGGGCTGGACGGACGTGCTGTACTGGGTACG[T>G]AGCATGAGTGGGCAGTCAGAGGGTGGGGGAACAGCGGCCGTGAACCCTTCCCTGACACCT-3'